The following is an entry in ClinVar:

ClinVar aggregate classification (germline): Uncertain significance (1 of 4 stars; one submission).

Conditions:
Inborn genetic diseases. Identifiers: MedGen C0950123, MeSH D030342.

gnomAD v4.1: 2 of 1,614,122 alleles (0.00012%); highest among the groups gnomAD compares: Non-Finnish European, 0.00017%; no homozygotes.

Submission:

Ambry Genetics
Classification: Uncertain significance for Inborn genetic diseases. Last evaluated: 2024-07-09. Review status: criteria provided, single submitter. Criteria: Ambry Variant Classification Scheme 2023. Collection method: clinical testing. Allele origin: germline.
Comment: The p.V500G variant (also known as c.1499T>G), located in coding exon 11 of the EPAS1 gene, results from a T to G substitution at nucleotide position 1499. The valine at codon 500 is replaced by glycine, an amino acid with dissimilar properties. This amino acid position is conserved. In addition, this alteration is predicted to be tolerated by in silico analysis. Based on the available evidence, the clinical significance of this variant remains unclear.

NM_001430.5(EPAS1):c.1499T>G (p.Val500Gly)

Gene: EPAS1 (endothelial PAS domain protein 1; plus strand). Cytogenetic location: 2p21.
Variant type: single nucleotide variant.
Coding change: c.1499T>G on transcript NM_001430.5 (MANE Select); coding-DNA position 1499, T replaced by G.
Protein change: p.Val500Gly; replaces valine 500 with glycine.
Molecular consequence: missense variant.
Genome position (GRCh38, 1-based): chr2:46,378,712, T>G. VCF-style: chr2-46378712-T-G. GRCh37 (hg19) VCF-style: chr2-46605851-T-G.
Other names: short protein forms V500G.
Identifiers: ClinVar variation 3508942 (VCV003508942.1).